The following is an entry in ClinVar:

NM_130839.5(UBE3A):c.2618A>T (p.Ter873Leu)

Genes: SNHG14 (small nucleolar RNA host gene 14; plus strand), UBE3A (ubiquitin protein ligase E3A; minus strand). Cytogenetic location: 15q11.2.
Variant type: single nucleotide variant.
Coding change: c.2618A>T on transcript NM_130839.5 (MANE Select); coding-DNA position 2618, A replaced by T.
Protein change: p.Ter873Leu.
Molecular consequence: stop lost. On other transcripts: non-coding transcript variant (1).
Genome position (GRCh38, 1-based): chr15:25,339,138, T>A on the plus strand (A>T on the coding strand, the complement: UBE3A is on the minus strand). VCF-style: chr15-25339138-T-A. GRCh37 (hg19) VCF-style: chr15-25584285-T-A.
Other names: p.*853Lext; *436L; *798L; *801L; *814L; *873L; *456L; *821L; and 10 more.
Identifiers: ClinVar variation 136203 (VCV000136203.1), dbSNP rs76794400, ClinGen allele CA333478.

ClinVar aggregate classification (germline): Pathogenic (0 of 4 stars; one submission).

Conditions:
Angelman syndrome (AS). Also called: HAPPY PUPPET SYNDROME. Identifiers: Orphanet 72, MedGen C0162635, MONDO:0007113, OMIM 105830. Disease mechanism: loss of function. Inheritance: AS is caused by disruption of maternally imprinted UBE3A located within the 15q11.2-q13 Angelman syndrome/Prader-Willi syndrome (AS/PWS) region., imprinting disorder.

Submission:

Baylor Genetics
Classification: Pathogenic for Angelman Syndrome. Last evaluated: 2014-02-14. Review status: no assertion criteria provided. Collection method: clinical testing. Allele origin: germline. Affected: yes. Observed: 1 variant allele. Study: UBE3A Mutation Study.
Comment: Data collected from clinical UBE3A sequence analysis results

Literature cited by the submitters: PubMed 25212744.